The following is an entry in ClinVar:

NM_000264.5(PTCH1):c.1047C>G (p.Asn349Lys)

Gene: PTCH1 (patched 1; minus strand). Cytogenetic location: 9q22.32.
Variant type: single nucleotide variant.
Coding change: c.1047C>G on transcript NM_000264.5 (MANE Select); coding-DNA position 1047, C replaced by G.
Protein change: p.Asn349Lys; replaces asparagine 349 with lysine.
Molecular consequence: missense variant. On other transcripts: non-coding transcript variant (1).
Genome position (GRCh38, 1-based): chr9:95,479,989, G>C on the plus strand (C>G on the coding strand, the complement: PTCH1 is on the minus strand). VCF-style: chr9-95479989-G-C. GRCh37 (hg19) VCF-style: chr9-98242271-G-C.
Other names: c.849C>G, p.Asn283Lys (NM_001083602.3); c.1044C>G, p.Asn348Lys (NM_001083603.3); c.594C>G, p.Asn198Lys (NM_001083604.3, NM_001083605.3, NM_001083606.3 and 1 more transcripts); c.1047C>G, p.Asn349Lys (NM_001354918.2); short protein forms N283K, N348K, N349K, N198K.
Identifiers: ClinVar variation 3784623 (VCV003784623.1).

ClinVar aggregate classification (germline): Uncertain significance (1 of 4 stars; one submission).

Conditions:
Hereditary cancer-predisposing syndrome. Also called: Neoplastic Syndromes, Hereditary; Hereditary Cancer Syndrome; Tumor predisposition; Hereditary neoplastic syndrome. Identifiers: Orphanet 140162, MedGen C0027672, MeSH D009386, MONDO:0015356.

gnomAD v4.1: 1 of 1,614,100 alleles (0.000062%); highest among the groups gnomAD compares: Non-Finnish European, 0.000085%; no homozygotes.

Submission:

Ambry Genetics
Classification: Uncertain significance for Hereditary cancer-predisposing syndrome. Last evaluated: 2024-12-30. Review status: criteria provided, single submitter. Criteria: Ambry Variant Classification Scheme 2023. Collection method: clinical testing. Allele origin: germline.
Comment: The p.N349K variant (also known as c.1047C>G), located in coding exon 7 of the PTCH1 gene, results from a C to G substitution at nucleotide position 1047. The asparagine at codon 349 is replaced by lysine, an amino acid with similar properties. This amino acid position is conserved. In addition, the in silico prediction for this alteration is inconclusive. Based on the available evidence, the clinical significance of this variant remains unclear.